The following is an entry in ClinVar:

NM_004370.6(COL12A1):c.4147+3A>G

Gene: COL12A1 (collagen type XII alpha 1 chain; minus strand). Cytogenetic location: 6q13.
Variant type: single nucleotide variant.
Coding change: c.4147+3A>G on transcript NM_004370.6 (MANE Select); 3 bases into the intron after coding-DNA position 4147, A replaced by G.
Molecular consequence: intron variant.
Genome position (GRCh38, 1-based): chr6:75,151,138, T>C on the plus strand (A>G on the coding strand, the complement: COL12A1 is on the minus strand). VCF-style: chr6-75151138-T-C. GRCh37 (hg19) VCF-style: chr6-75860854-T-C.
Other names: c.655+3A>G (NM_080645.3).
Identifiers: ClinVar variation 2051797 (VCV002051797.4), dbSNP rs751711295, ClinGen allele CA3893538.

ClinVar aggregate classification (germline): Uncertain significance (1 of 4 stars; one submission).

Conditions:
Ullrich congenital muscular dystrophy 2 (UCMD2). Identifiers: Orphanet 75840, MedGen C4225314, MONDO:0014654, OMIM 616470.
Bethlem myopathy 2 (BTHLM2). Identifiers: Orphanet 536516, Orphanet 610, MedGen C4225313, MONDO:0034022, OMIM 616471.

Allele frequency attached by ClinVar (database versions not stated): gnomAD 0.00001; ExAC 0.00006; gnomAD exomes 0.00002.
gnomAD v4.1: 12 of 1,557,578 alleles (0.00077%); highest among the groups gnomAD compares: Admixed American, 0.021%; no homozygotes.

Submission:

Labcorp Genetics (formerly Invitae), Labcorp
Classification: Uncertain significance for Bethlem myopathy 2; Ullrich congenital muscular dystrophy 2. Last evaluated: 2025-12-16. Review status: criteria provided, single submitter. Criteria: Invitae Variant Classification Sherloc (09022015). Collection method: clinical testing. Allele origin: germline.
Comment: This sequence change falls in intron 21 of the COL12A1 gene. It does not directly change the encoded amino acid sequence of the COL12A1 protein. It affects a nucleotide within the consensus splice site. This variant is present in population databases (rs751711295, gnomAD 0.03%). This variant has not been reported in the literature in individuals affected with COL12A1-related conditions. ClinVar contains an entry for this variant (Variation ID: 2051797). Variants that disrupt the consensus splice site are a relatively common cause of aberrant splicing (PMID: 17576681, 9536098). Algorithms developed to predict the effect of sequence changes on RNA splicing suggest that this variant is not likely to affect RNA splicing. In summary, the available evidence is currently insufficient to determine the role of this variant in disease. Therefore, it has been classified as a Variant of Uncertain Significance.

Literature cited by the submitters: PubMed 17576681; PubMed 9536098.